The following is an entry in ClinVar:

ClinVar aggregate classification (germline): Uncertain significance. Review status: criteria provided, multiple submitters, no conflicts (2 of 4 stars). 3 submissions from 3 submitters: Uncertain significance (3). Last evaluated 2025-11-15.

Conditions:
Arrhythmogenic cardiomyopathy with wooly hair and keratoderma. Also called: Carvajal syndrome; PALMOPLANTAR KERATODERMA WITH LEFT VENTRICULAR CARDIOMYOPATHY AND WOOLLY HAIR; Dilated cardiomyopathy with woolly hair and keratoderma; Arrhythmogenic cardiomyopathy with woolly hair and keratoderma. Identifiers: Orphanet 65282, MedGen C1854063, MONDO:0011581, OMIM 605676.
Cardiovascular phenotype. Identifiers: MedGen CN230736.
Arrhythmogenic right ventricular dysplasia 8 (ARVD8). Also called: ARRHYTHMOGENIC RIGHT VENTRICULAR DYSPLASIA, FAMILIAL, 8; Arrhythmogenic Right Ventricular Dysplasia/Cardiomyopathy 8; ARRHYTHMOGENIC RIGHT VENTRICULAR CARDIOMYOPATHY 8. Identifiers: MedGen C1843896, MONDO:0011831, OMIM 607450.

gnomAD v4.1: 1 of 1,609,086 alleles (0.000062%); highest among the groups gnomAD compares: African/African-American, 0.0013%; no homozygotes.

Submissions (3):

Ambry Genetics
Classification: Uncertain significance for Cardiovascular phenotype. Last evaluated: 2025-11-15. Review status: criteria provided, single submitter. Criteria: Ambry Variant Classification Scheme 2023. Collection method: clinical testing. Allele origin: germline.
Comment: The p.L14M variant (also known as c.40C>A), located in coding exon 1 of the DSP gene, results from a C to A substitution at nucleotide position 40. The leucine at codon 14 is replaced by methionine, an amino acid with highly similar properties. This amino acid position is conserved. In addition, this alteration is predicted to be tolerated by in silico analysis. Based on the available evidence, the clinical significance of this variant remains unclear.

Labcorp Genetics (formerly Invitae), Labcorp
Classification: Uncertain significance for Arrhythmogenic cardiomyopathy with wooly hair and keratoderma; Arrhythmogenic right ventricular dysplasia 8. Last evaluated: 2025-09-22. Review status: criteria provided, single submitter. Criteria: Invitae Variant Classification Sherloc (09022015). Collection method: clinical testing. Allele origin: germline.
Comment: This sequence change replaces leucine, which is neutral and non-polar, with methionine, which is neutral and non-polar, at codon 14 of the DSP protein (p.Leu14Met). This variant is not present in population databases (gnomAD no frequency). This variant has not been reported in the literature in individuals affected with DSP-related conditions. ClinVar contains an entry for this variant (Variation ID: 3386612). An algorithm developed to predict the effect of missense changes on protein structure and function (PolyPhen-2) suggests that this variant is likely to be disruptive. In summary, the available evidence is currently insufficient to determine the role of this variant in disease. Therefore, it has been classified as a Variant of Uncertain Significance.

All of Us Research Program, National Institutes of Health
Classification: Uncertain significance for Arrhythmogenic cardiomyopathy with wooly hair and keratoderma. Last evaluated: 2024-08-06. Review status: criteria provided, single submitter. Criteria: ACMG Guidelines, 2015. Collection method: clinical testing. Allele origin: germline. Inheritance: Autosomal dominant inheritance. Observed: 1 variant allele, 1 heterozygote.
Comment: This study involves interpretation of variants in research participants for the purpose of population health screening. Participant phenotype was not available at the time of variant classification. Additional details can be found in publication PMID: 35346344, PMCID: PMC8962531

NM_004415.4(DSP):c.40C>A (p.Leu14Met)

Genes: DSP-AS1 (DSP antisense RNA 1; minus strand), DSP (desmoplakin; plus strand). Cytogenetic location: 6p24.3.
Variant type: single nucleotide variant.
Coding change: c.40C>A on transcript NM_004415.4 (MANE Select); coding-DNA position 40, C replaced by A.
Protein change: p.Leu14Met; replaces leucine 14 with methionine.
Molecular consequence: missense variant.
Genome position (GRCh38, 1-based): chr6:7,541,955, C>A. VCF-style: chr6-7541955-C-A. GRCh37 (hg19) VCF-style: chr6-7542188-C-A.
Other names: c.40C>A, p.Leu14Met (NM_001008844.3, NM_001319034.2, NM_001406591.1); short protein forms L14M.
Identifiers: ClinVar variation 3386612 (VCV003386612.4).